The following is an entry in ClinVar:

NM_000112.4(SLC26A2):c.36_37dup (p.Pro13fs)

Gene: SLC26A2 (solute carrier family 26 member 2; plus strand). Cytogenetic location: 5q32.
Variant type: Duplication.
Coding change: c.36_37dup on transcript NM_000112.4 (MANE Select); coding-DNA positions 36 to 37, 2 bases duplicated (AC; older notation c.36_37dupAC).
Protein change: p.Pro13fs; shifts the reading frame from proline 13.
Molecular consequence: frameshift variant.
Genome position (GRCh38, 1-based): chr5:149,977,688-149,977,689, AC duplicated; duplicating any 2 consecutive bases within chr5:149,977,687-149,977,689 gives the same sequence; the c. name uses the placement nearest the transcript's 3' end. VCF-style (leftmost placement, unchanged base first): chr5-149977686-T-TCA. GRCh37 (hg19) VCF-style: chr5-149357249-T-TCA.
Other names: short protein forms P13fs.
Identifiers: ClinVar variation 4817465 (VCV004817465.1).
Genomic context (GRCh38, chr5:149,977,686, plus strand): 5'-AGGAAGCTGAACCATCTATCTCCAGAAATGTCTTCAGAAAGTAAAGAGCAACATAACGTT[T>TCA]CACCCAGAGACTCAGCTGAAGGAAATGACAGTTATCCATCTGGGATCCATCTGGAACTTC-3'

ClinVar aggregate classification (germline): Likely pathogenic (1 of 4 stars; one submission).

Conditions:
Achondrogenesis, type IB (ACG1B). Also called: Achondrogenesis Type 1B. Identifiers: Orphanet 932, Orphanet 93298, MedGen C0265274, MONDO:0010966, OMIM 600972.

Submission:

Natera, Inc.
Classification: Likely pathogenic for Achondrogenesis type IB. Last evaluated: 2024-07-22. Review status: criteria provided, single submitter. Criteria: Natera Variant Classification Schema (03/2026). Collection method: clinical testing. Allele origin: germline.
Comment: The c.36_37dup variant in SLC26A2 is a frameshift variant predicted to shift the reading frame beginning at codon 13 and leads to a stop codon 77 codons downstream. This variant is expected to result in nonsense mediated decay, truncation, or a dysfunctional protein product. This variant is rare in the general population with a frequency below the threshold expected for the associated phenotype(s). Given the available evidence, this variant is classified as Likely Pathogenic.